The following is an entry in ClinVar:

ClinVar aggregate classification (germline): Uncertain significance (1 of 4 stars; one submission).

Conditions:
Ataxia-telangiectasia syndrome (AT). Also called: AT, COMPLEMENTATION GROUP C; Ataxia telangiectasia (A-T); Cerebello-oculocutaneous telangiectasia; Immunodeficiency with ataxia telangiectasia; LOUIS-BAR SYNDROME; Ataxia-telangiectasia. Identifiers: Orphanet 100, MedGen C0004135, MONDO:0008840, OMIM 208900.

Submission:

Labcorp Genetics (formerly Invitae), Labcorp
Classification: Uncertain significance for Ataxia-telangiectasia syndrome. Last evaluated: 2025-06-09. Review status: criteria provided, single submitter. Criteria: Invitae Variant Classification Sherloc (09022015). Collection method: clinical testing. Allele origin: germline.
Comment: This sequence change replaces threonine, which is neutral and polar, with proline, which is neutral and non-polar, at codon 1757 of the ATM protein (p.Thr1757Pro). This variant is not present in population databases (gnomAD no frequency). This variant has not been reported in the literature in individuals affected with ATM-related conditions. ClinVar contains an entry for this variant (Variation ID: 963483). Invitae Evidence Modeling of protein sequence and biophysical properties (such as structural, functional, and spatial information, amino acid conservation, physicochemical variation, residue mobility, and thermodynamic stability) indicates that this missense variant is not expected to disrupt ATM protein function with a negative predictive value of 95%. In summary, the available evidence is currently insufficient to determine the role of this variant in disease. Therefore, it has been classified as a Variant of Uncertain Significance.

NM_000051.4(ATM):c.5269A>C (p.Thr1757Pro)

Gene: ATM (ATM serine/threonine kinase; plus strand). Cytogenetic location: 11q22.3.
Variant type: single nucleotide variant.
Coding change: c.5269A>C on transcript NM_000051.4 (MANE Select); coding-DNA position 5269, A replaced by C.
Protein change: p.Thr1757Pro; replaces threonine 1757 with proline.
Molecular consequence: missense variant.
Genome position (GRCh38, 1-based): chr11:108,301,739, A>C. VCF-style: chr11-108301739-A-C. GRCh37 (hg19) VCF-style: chr11-108172466-A-C.
Other names: c.5269A>C, p.Thr1757Pro (NM_001351834.2); short protein forms T1757P.
Identifiers: ClinVar variation 963483 (VCV000963483.9), dbSNP rs1591708923, ClinGen allele CA382542577.